The following is an entry in ClinVar:

NM_001163809.2(WDR81):c.568C>T (p.Leu190=)

Gene: WDR81 (WD repeat domain 81; plus strand). Cytogenetic location: 17p13.3.
Variant type: single nucleotide variant.
Coding change: c.568C>T on transcript NM_001163809.2 (MANE Select); coding-DNA position 568, C replaced by T.
Protein change: p.Leu190=; no amino-acid change (leucine 190 retained).
Molecular consequence: synonymous variant. On other transcripts: intron variant (3).
Genome position (GRCh38, 1-based): chr17:1,725,527, C>T. VCF-style: chr17-1725527-C-T. GRCh37 (hg19) VCF-style: chr17-1628821-C-T.
Other names: c.-123-2463C>T (NM_152348.4); c.59-4853C>T (NM_001163673.2); c.-15+741C>T (NM_001163811.2).
Identifiers: ClinVar variation 808184 (VCV000808184.42), dbSNP rs950737902, ClinGen allele CA286868259.
Genomic context (GRCh38, chr17:1,725,527, plus strand): 5'-GCTGTCCCTGCCTTGGACTCAGTACGGCAGGCTCTGCAGAGGGTCTATGGTTGCTCCTTC[C>T]TGCCAGTGGGTGAAACTACCCAATGCCCTTCATATGCCAGAGAAGGCCCCTGCCCCCCTC-3'
Protein context (NP_001157281.1, residues 180-200): ALQRVYGCSF[Leu190=]PVGETTQCPS

ClinVar aggregate classification (germline): Likely benign (1 of 4 stars; one submission).

Allele frequency attached by ClinVar (database versions not stated): gnomAD 0.00002; gnomAD exomes 0.00003; TOPMed 0.00005.

Submission:

CeGaT Center for Human Genetics Tuebingen
Classification: Likely benign. Last evaluated: 2022-05-01. Review status: criteria provided, single submitter. Criteria: CeGaT Center For Human Genetics Tuebingen Variant Classification Criteria Version 2. Collection method: clinical testing. Allele origin: germline. Affected: yes. Observed: 2 variant alleles.
Comment: WDR81: BP4, BP7